The following is an entry in ClinVar:

NM_001170700.3(DTHD1):c.1429C>A (p.His477Asn)

Gene: DTHD1 (death domain containing 1; plus strand). Cytogenetic location: 4p14.
Variant type: single nucleotide variant.
Coding change: c.1429C>A on transcript NM_001170700.3 (MANE Select); coding-DNA position 1429, C replaced by A.
Protein change: p.His477Asn; replaces histidine 477 with asparagine.
Molecular consequence: missense variant. On other transcripts: non-coding transcript variant (2).
Genome position (GRCh38, 1-based): chr4:36,294,825, C>A. VCF-style: chr4-36294825-C-A. GRCh37 (hg19) VCF-style: chr4-36296447-C-A.
Other names: c.559C>A, p.His187Asn (NM_001136536.5); c.496C>A, p.His166Asn (NM_001378435.1); short protein forms H166N, H187N, H477N.
Identifiers: ClinVar variation 3727185 (VCV003727185.2).
Genomic context (GRCh38, chr4:36,294,825, plus strand): 5'-AACATAAGAAAAAATATATTTTTTGTTTAGATCCAACCAGTTGACCCAGCTCTGGTGGCA[C>A]ATTTAAAAGCACAGCAAGATACTTTCTACTCAGTCCAATCCACAAGCCCTCTGATTCACA-3'
Protein context (NP_001164171.2, residues 467-487): IQPVDPALVA[His477Asn]LKAQQDTFYS

ClinVar aggregate classification (germline): Uncertain significance (1 of 4 stars; one submission).

gnomAD v4.1: 1 of 1,549,008 alleles (0.000065%); highest among the groups gnomAD compares: East Asian, 0.0024%; no homozygotes.

Submission:

Labcorp Genetics (formerly Invitae), Labcorp
Classification: Uncertain significance. Last evaluated: 2024-12-18. Review status: criteria provided, single submitter. Criteria: Invitae Variant Classification Sherloc (09022015). Collection method: clinical testing. Allele origin: germline.
Comment: This sequence change replaces histidine, which is basic and polar, with asparagine, which is neutral and polar, at codon 187 of the DTHD1 protein (p.His187Asn). This variant is not present in population databases (gnomAD no frequency). This variant has not been reported in the literature in individuals affected with DTHD1-related conditions. An algorithm developed to predict the effect of missense changes on protein structure and function (PolyPhen-2) suggests that this variant is likely to be tolerated. In summary, the available evidence is currently insufficient to determine the role of this variant in disease. Therefore, it has been classified as a Variant of Uncertain Significance.